The following is an entry in ClinVar:

NM_001005273.3(CHD3):c.384G>A (p.Lys128=)

Gene: CHD3 (chromodomain helicase DNA binding protein 3; plus strand). Cytogenetic location: 17p13.1.
Variant type: single nucleotide variant.
Coding change: c.384G>A on transcript NM_001005273.3 (MANE Select); coding-DNA position 384, G replaced by A.
Protein change: p.Lys128=; no amino-acid change (lysine 128 retained).
Molecular consequence: synonymous variant.
Genome position (GRCh38, 1-based): chr17:7,890,741, G>A. VCF-style: chr17-7890741-G-A. GRCh37 (hg19) VCF-style: chr17-7794059-G-A.
Other names: c.561G>A, p.Lys187= (NM_001005271.3); c.384G>A, p.Lys128= (NM_005852.4).
Identifiers: ClinVar variation 2232083 (VCV002232083.2), dbSNP rs778494683, ClinGen allele CA8362353.

ClinVar aggregate classification (germline): Uncertain significance (1 of 4 stars; one submission).

Conditions:
Inborn genetic diseases. Identifiers: MedGen C0950123, MeSH D030342.

Allele frequency attached by ClinVar (database versions not stated): ExAC 0.00001; gnomAD exomes 0.00001.
gnomAD v4.1: 13 of 1,590,506 alleles (0.00082%); highest among the groups gnomAD compares: Admixed American, 0.0075%; no homozygotes.

Submission:

Ambry Genetics
Classification: Uncertain significance for Inborn genetic diseases. Last evaluated: 2021-06-28. Review status: criteria provided, single submitter. Criteria: Ambry Variant Classification Scheme 2023. Collection method: clinical testing. Allele origin: germline.
Comment: Occurs in the last base pair of the exon Based on insufficient or conflicting evidence, the clinical significance of this alteration remains unclear.